The following is an entry in ClinVar:

NM_000400.4(ERCC2):c.2268T>G (p.Ile756Met)

Gene: ERCC2 (ERCC excision repair 2, TFIIH core complex helicase subunit; minus strand). Cytogenetic location: 19q13.32.
Variant type: single nucleotide variant.
Coding change: c.2268T>G on transcript NM_000400.4 (MANE Select); coding-DNA position 2268, T replaced by G.
Protein change: p.Ile756Met; replaces isoleucine 756 with methionine.
Molecular consequence: missense variant.
Genome position (GRCh38, 1-based): chr19:45,351,644, A>C on the plus strand (T>G on the coding strand, the complement: ERCC2 is on the minus strand). VCF-style: chr19-45351644-A-C. GRCh37 (hg19) VCF-style: chr19-45854902-A-C.
Other names: short protein forms I756M.
Identifiers: ClinVar variation 1788727 (VCV001788727.2), dbSNP rs2123216467, ClinGen allele CA406360233.

ClinVar aggregate classification (germline): Uncertain significance (1 of 4 stars; one submission).

Conditions:
Inborn genetic diseases. Identifiers: MedGen C0950123, MeSH D030342.

Submission:

Ambry Genetics
Classification: Uncertain significance for Inborn genetic diseases. Last evaluated: 2021-11-22. Review status: criteria provided, single submitter. Criteria: Ambry Variant Classification Scheme 2023. Collection method: clinical testing. Allele origin: germline.
Comment: The p.I756M variant (also known as c.2268T>G), located in coding exon 23 of the ERCC2 gene, results from a T to G substitution at nucleotide position 2268. The isoleucine at codon 756 is replaced by methionine, an amino acid with highly similar properties. This amino acid position is conserved. In addition, the in silico prediction for this alteration is inconclusive. Since supporting evidence is limited at this time, the clinical significance of this alteration remains unclear.